The following is an entry in ClinVar:

NM_001035.3(RYR2):c.7060G>T (p.Ala2354Ser)

Gene: RYR2 (ryanodine receptor 2; plus strand). Cytogenetic location: 1q43.
Variant type: single nucleotide variant.
Coding change: c.7060G>T on transcript NM_001035.3 (MANE Select); coding-DNA position 7060, G replaced by T.
Protein change: p.Ala2354Ser; replaces alanine 2354 with serine.
Molecular consequence: missense variant.
Genome position (GRCh38, 1-based): chr1:237,639,146, G>T. VCF-style: chr1-237639146-G-T. GRCh37 (hg19) VCF-style: chr1-237802446-G-T.
Other names: short protein forms A2354S.
Identifiers: ClinVar variation 1350440 (VCV001350440.9), dbSNP rs773070579, ClinGen allele CA087270.
Genomic context (GRCh38, chr1:237,639,146, plus strand): 5'-GCTTTGAGAGGAGAAGGTGGGAATGGGCTTCTTGCAGCAATGGAAGAAGCCATCAAAATC[G>T]CCGAGGATCCTTCCCGAGATGGTCCCTCACCAAATAGCGGATCCAGTAAAACACTGTAGG-3'
Protein context (NP_001026.2, residues 2344-2364): LAAMEEAIKI[Ala2354Ser]EDPSRDGPSP

ClinVar aggregate classification (germline): Uncertain significance. Review status: criteria provided, multiple submitters, no conflicts (2 of 4 stars). 2 submissions from 2 submitters: Uncertain significance (2). Last evaluated 2024-06-17.

Conditions:
Catecholaminergic polymorphic ventricular tachycardia (CVPT). Also called: Catecholamine-induced polymorphic ventricular tachycardia. Identifiers: Orphanet 3286, MedGen C5574922, MONDO:0017990.
Catecholaminergic polymorphic ventricular tachycardia 1. Also called: VENTRICULAR TACHYCARDIA, CATECHOLAMINERGIC POLYMORPHIC, 1, WITH OR WITHOUT ATRIAL DYSFUNCTION AND/OR DILATED CARDIOMYOPATHY; VENTRICULAR TACHYCARDIA, STRESS-INDUCED POLYMORPHIC 1; RYR2-Related Catecholaminergic Polymorphic Ventricular Tachycardia. Identifiers: Orphanet 3286, MedGen C1631597, MONDO:0011484, OMIM 604772.

Allele frequency attached by ClinVar (database versions not stated): gnomAD 0.00002.
gnomAD v4.1: 9 of 1,613,716 alleles (0.00056%); highest among the groups gnomAD compares: Non-Finnish European, 0.00059%; no homozygotes.

Submissions (2):

All of Us Research Program, National Institutes of Health
Classification: Uncertain significance for Catecholaminergic polymorphic ventricular tachycardia. Last evaluated: 2024-06-17. Review status: criteria provided, single submitter. Criteria: ACMG Guidelines, 2015. Collection method: clinical testing. Allele origin: germline. Inheritance: Autosomal dominant inheritance. Observed: 2 variant alleles, 2 heterozygotes.
Comment: This missense variant replaces alanine with serine at codon 2354 of the RYR2 protein. Computational prediction suggests that this variant may not impact protein structure and function (internally defined REVEL score threshold <= 0.5, PMID: 27666373). To our knowledge, functional studies have not been reported for this variant. This variant has not been reported in individuals affected with RYR2-related disorders in the literature. This variant has not been identified in the general population by the Genome Aggregation Database (gnomAD). The available evidence is insufficient to determine the role of this variant in disease conclusively. Therefore, this variant is classified as a Variant of Uncertain Significance.

This study involves interpretation of variants in research participants for the purpose of population health screening. Participant phenotype was not available at the time of variant classification. Additional details can be found in publication PMID: 35346344, PMCID: PMC8962531

Labcorp Genetics (formerly Invitae), Labcorp
Classification: Uncertain significance for Catecholaminergic polymorphic ventricular tachycardia 1. Last evaluated: 2021-11-05. Review status: criteria provided, single submitter. Criteria: Invitae Variant Classification Sherloc (09022015). Collection method: clinical testing. Allele origin: germline.
Comment: This sequence change replaces alanine, which is neutral and non-polar, with serine, which is neutral and polar, at codon 2354 of the RYR2 protein (p.Ala2354Ser). The frequency data for this variant in the population databases is considered unreliable, as metrics indicate poor data quality at this position in the gnomAD database. This variant has not been reported in the literature in individuals affected with RYR2-related conditions. Advanced modeling of protein sequence and biophysical properties (such as structural, functional, and spatial information, amino acid conservation, physicochemical variation, residue mobility, and thermodynamic stability) performed at Invitae indicates that this missense variant is not expected to disrupt RYR2 protein function. In summary, the available evidence is currently insufficient to determine the role of this variant in disease. Therefore, it has been classified as a Variant of Uncertain Significance.